The following is an entry in ClinVar:

ClinVar aggregate classification (germline): Pathogenic/Likely pathogenic. Review status: criteria provided, multiple submitters, no conflicts (2 of 4 stars). 3 submissions from 3 submitters: Pathogenic (2); Likely pathogenic (1). Last evaluated 2025-09-23.

Conditions:
EPG5-related disorders.
Vici syndrome (VICIS). Identifiers: Orphanet 1493, MedGen C1855772, MONDO:0009452, OMIM 242840.

Submissions (3):

Labcorp Genetics (formerly Invitae), Labcorp
Classification: Pathogenic for Vici syndrome. Last evaluated: 2025-09-23. Review status: criteria provided, single submitter. Criteria: Invitae Variant Classification Sherloc (09022015). Collection method: clinical testing. Allele origin: germline.
Comment: This sequence change creates a premature translational stop signal (p.Leu479*) in the EPG5 gene. It is expected to result in an absent or disrupted protein product. Loss-of-function variants in EPG5 are known to be pathogenic (PMID: 23222957, 23674064). This variant is present in population databases (rs762639913, gnomAD 0.0009%). This premature translational stop signal has been observed in individual(s) with Vici syndrome (PMID: 26917586). In at least one individual the data is consistent with being in trans (on the opposite chromosome) from a pathogenic variant. ClinVar contains an entry for this variant (Variation ID: 580542). For these reasons, this variant has been classified as Pathogenic.

GeneDx
Classification: Pathogenic. Last evaluated: 2023-12-04. Review status: criteria provided, single submitter. Criteria: GeneDx Variant Classification Process June 2021. Collection method: clinical testing. Allele origin: germline. Affected: yes.
Comment: Nonsense variant predicted to result in protein truncation or nonsense mediated decay in a gene for which loss of function is a known mechanism of disease; Not observed at significant frequency in large population cohorts (gnomAD); This variant is associated with the following publications: (PMID: 23674064, 23222957, 26917586)

Blueprint Genetics
Classification: Likely pathogenic for EPG5-related disorders. Last evaluated: 2022-02-15. Review status: criteria provided, single submitter. Criteria: ACMG Guidelines, 2015. Collection method: clinical testing. Allele origin: germline. Affected: yes. Observed: 1 variant allele.

Literature cited by the submitters: PubMed 23222957 (cited by Labcorp Genetics (formerly Invitae), Labcorp); PubMed 23674064 (cited by Labcorp Genetics (formerly Invitae), Labcorp); PubMed 26917586 (cited by Labcorp Genetics (formerly Invitae), Labcorp).

NM_020964.3(EPG5):c.1435_1438del (p.Phe478_Leu479insTer)

Gene: EPG5 (ectopic P-granules 5 autophagy tethering factor; minus strand). Cytogenetic location: 18q21.1.
Variant type: Microsatellite.
Coding change: c.1435_1438del on transcript NM_020964.3 (MANE Select); coding-DNA positions 1435 to 1438, 4 bases deleted (CTTC; older notation c.1435_1438delCTTC).
Protein change: p.Phe478_Leu479insTer.
Molecular consequence: nonsense.
Genome position (GRCh38, 1-based): chr18:45,949,543-45,949,546, GAAG deleted on the plus strand (CTTC on the coding strand, the reverse complement: EPG5 is on the minus strand); deleting any 4 consecutive bases within chr18:45,949,543-45,949,550 gives the same sequence; the c. name uses the placement nearest the transcript's 3' end. VCF-style (leftmost placement, unchanged base first): chr18-45949542-AGAAG-A. GRCh37 (hg19) VCF-style: chr18-43529508-AGAAG-A.
Other names: c.1435_1438del (NM_020964.2).
Identifiers: ClinVar variation 580542 (VCV000580542.13), dbSNP rs762639913, ClinGen allele CA8949725.